The following is an entry in ClinVar:

NM_022436.3(ABCG5):c.1619C>A (p.Ala540Glu)

Genes: ABCG5 (ATP binding cassette subfamily G member 5; minus strand), DYNC2LI1 (dynein cytoplasmic 2 light intermediate chain 1; plus strand). Cytogenetic location: 2p21.
Variant type: single nucleotide variant.
Coding change: c.1619C>A on transcript NM_022436.3 (MANE Select); coding-DNA position 1619, C replaced by A.
Protein change: p.Ala540Glu; replaces alanine 540 with glutamic acid.
Molecular consequence: missense variant. On other transcripts: intron variant (2).
Genome position (GRCh38, 1-based): chr2:43,819,945, G>T on the plus strand (C>A on the coding strand, the complement: ABCG5 is on the minus strand). VCF-style: chr2-43819945-G-T. GRCh37 (hg19) VCF-style: chr2-44047084-G-T.
Other names: c.*16-7441G>T (NM_001348913.2, NM_001348912.2); short protein forms A540E.
Identifiers: ClinVar variation 5026965 (VCV005026965.1).

ClinVar aggregate classification (germline): Uncertain significance (1 of 4 stars; one submission).

Conditions:
Cardiovascular phenotype. Identifiers: MedGen CN230736.

gnomAD v4.1: 2 of 1,613,930 alleles (0.00012%); highest among the groups gnomAD compares: South Asian, 0.0011%; no homozygotes.

Submission:

Ambry Genetics
Classification: Uncertain significance for Cardiovascular phenotype. Last evaluated: 2026-08-29. Review status: criteria provided, single submitter. Criteria: Ambry Variant Classification Scheme 2023. Collection method: clinical testing. Allele origin: germline.
Comment: The p.A540E variant (also known as c.1619C>A), located in coding exon 11 of the ABCG5 gene, results from a C to A substitution at nucleotide position 1619. The alanine at codon 540 is replaced by glutamic acid, an amino acid with dissimilar properties. This amino acid position is conserved. In addition, the in silico prediction for this alteration is inconclusive. Based on the available evidence, the clinical significance of this variant remains unclear.